The following is an entry in ClinVar:

ClinVar aggregate classification (germline): Uncertain significance. Review status: criteria provided, multiple submitters, no conflicts (2 of 4 stars). 2 submissions from 2 submitters: Uncertain significance (2). Last evaluated 2024-05-08.

Conditions:
Inborn genetic diseases. Identifiers: MedGen C0950123, MeSH D030342.
Congenital myasthenic syndrome 9. Also called: Myasthenic syndrome, congenital, 9, associated with acetylcholine receptor deficiency. Identifiers: Orphanet 590, MedGen C4225368, MONDO:0014587, OMIM 616325.
Fetal akinesia deformation sequence 1 (FADS1). Also called: Fetal akinesia sequence; Pena-Shokeir syndrome type I. Identifiers: Orphanet 994, MedGen C1276035, MONDO:0100101, OMIM 208150, HP:0001989.

gnomAD v4.1: 7 of 1,442,698 alleles (0.00049%); highest among the groups gnomAD compares: Non-Finnish European, 0.00064%; no homozygotes.

Submissions (2):

Ambry Genetics
Classification: Uncertain significance for Inborn genetic diseases. Last evaluated: 2024-05-08. Review status: criteria provided, single submitter. Criteria: Ambry Variant Classification Scheme 2023. Collection method: clinical testing. Allele origin: germline.

Labcorp Genetics (formerly Invitae), Labcorp
Classification: Uncertain significance for Congenital myasthenic syndrome 9; Fetal akinesia deformation sequence 1. Last evaluated: 2021-09-01. Review status: criteria provided, single submitter. Criteria: Invitae Variant Classification Sherloc (09022015). Collection method: clinical testing. Allele origin: germline.
Comment: This sequence change replaces tryptophan with glycine at codon 306 of the MUSK protein (p.Trp306Gly). The tryptophan residue is moderately conserved and there is a large physicochemical difference between tryptophan and glycine. This variant is not present in population databases (ExAC no frequency). This variant has not been reported in the literature in individuals affected with MUSK-related conditions. Algorithms developed to predict the effect of missense changes on protein structure and function are either unavailable or do not agree on the potential impact of this missense change (SIFT: "Deleterious"; PolyPhen-2: "Benign"; Align-GVGD: "Class C15"). Algorithms developed to predict the effect of sequence changes on RNA splicing suggest that this variant may create or strengthen a splice site. In summary, the available evidence is currently insufficient to determine the role of this variant in disease. Therefore, it has been classified as a Variant of Uncertain Significance.

NM_005592.4(MUSK):c.916T>G (p.Trp306Gly)

Gene: MUSK (muscle associated receptor tyrosine kinase; plus strand). Cytogenetic location: 9q31.3.
Variant type: single nucleotide variant.
Coding change: c.916T>G on transcript NM_005592.4 (MANE Select); coding-DNA position 916, T replaced by G.
Protein change: p.Trp306Gly; replaces tryptophan 306 with glycine.
Molecular consequence: missense variant. On other transcripts: 5 prime UTR variant (1).
Genome position (GRCh38, 1-based): chr9:110,762,204, T>G. VCF-style: chr9-110762204-T-G. GRCh37 (hg19) VCF-style: chr9-113524484-T-G.
Other names: c.946T>G, p.Trp316Gly (NM_001166280.2); c.916T>G, p.Trp306Gly (NM_001166281.2); c.-321T>G (NM_001369398.1); short protein forms W306G, W316G.
Identifiers: ClinVar variation 568714 (VCV000568714.7), dbSNP rs1319203200, ClinGen allele CA374466968.